The following is an entry in ClinVar:

ClinVar aggregate classification (germline): Uncertain significance. Review status: criteria provided, multiple submitters, no conflicts (2 of 4 stars). 2 submissions from 2 submitters: Uncertain significance (2). Last evaluated 2025-08-18.

Conditions:
Familial thoracic aortic aneurysm and aortic dissection (TAAD). Also called: Thoracic aortic aneurysms and dissections. Identifiers: Orphanet 91387, MedGen C4707243, MONDO:0019625.
Hereditary cancer-predisposing syndrome. Also called: Hereditary neoplastic syndrome; Neoplastic Syndromes, Hereditary; Tumor predisposition; Hereditary Cancer Syndrome. Identifiers: Orphanet 140162, MedGen C0027672, MeSH D009386, MONDO:0015356.
Juvenile polyposis syndrome (JPS). Identifiers: Orphanet 2929, MedGen C0345893, MONDO:0017380, OMIM 174900.

Submissions (2):

Ambry Genetics
Classification: Uncertain significance for Hereditary cancer-predisposing syndrome; Familial thoracic aortic aneurysm and aortic dissection. Last evaluated: 2025-08-18. Review status: criteria provided, single submitter. Criteria: Ambry Variant Classification Scheme 2023. Collection method: clinical testing. Allele origin: germline.
Comment: The p.G359R variant (also known as c.1075G>C), located in coding exon 8 of the SMAD4 gene, results from a G to C substitution at nucleotide position 1075. The glycine at codon 359 is replaced by arginine, an amino acid with dissimilar properties. This amino acid position is conserved. In addition, this alteration is predicted to be deleterious by in silico analysis. Based on the available evidence, the clinical significance of this variant remains unclear.

Labcorp Genetics (formerly Invitae), Labcorp
Classification: Uncertain significance for Juvenile polyposis syndrome. Last evaluated: 2017-01-26. Review status: criteria provided, single submitter. Criteria: Invitae Variant Classification Sherloc (09022015). Collection method: clinical testing. Allele origin: germline.
Comment: Algorithms developed to predict the effect of missense changes on protein structure and function do not agree on the potential impact of this missense change (SIFT: "Tolerated"; PolyPhen-2: "Probably Damaging"; Align-GVGD: "Class C0"). In summary, this variant is a novel missense change with uncertain impact on protein function. It has been classified as a Variant of Uncertain Significance. This variant is not present in population databases (ExAC no frequency) and has not been reported in the literature in individuals with a SMAD4-related disease. This sequence change replaces glycine with arginine at codon 359 of the SMAD4 protein (p.Gly359Arg). The glycine residue is highly conserved and there is a moderate physicochemical difference between glycine and arginine.

NM_005359.6(SMAD4):c.1075G>C (p.Gly359Arg)

Gene: SMAD4 (SMAD family member 4; plus strand). Cytogenetic location: 18q21.2.
Variant type: single nucleotide variant.
Coding change: c.1075G>C on transcript NM_005359.6 (MANE Select); coding-DNA position 1075, G replaced by C.
Protein change: p.Gly359Arg; replaces glycine 359 with arginine.
Molecular consequence: missense variant.
Genome position (GRCh38, 1-based): chr18:51,065,542, G>C. VCF-style: chr18-51065542-G-C. GRCh37 (hg19) VCF-style: chr18-48591912-G-C.
Other names: short protein forms G359R.
Identifiers: ClinVar variation 460523 (VCV000460523.13), dbSNP rs1555686486, ClinGen allele CA402464348.